The following is an entry in ClinVar:

NM_198578.4(LRRK2):c.2831A>T (p.Asp944Val)

Gene: LRRK2 (leucine rich repeat kinase 2; plus strand). Cytogenetic location: 12q12.
Variant type: single nucleotide variant.
Coding change: c.2831A>T on transcript NM_198578.4 (MANE Select); coding-DNA position 2831, A replaced by T.
Protein change: p.Asp944Val; replaces aspartic acid 944 with valine.
Molecular consequence: missense variant.
Genome position (GRCh38, 1-based): chr12:40,294,867, A>T. VCF-style: chr12-40294867-A-T. GRCh37 (hg19) VCF-style: chr12-40688669-A-T.
Other names: short protein forms D944V.
Identifiers: ClinVar variation 3352205 (VCV003352205.2).

ClinVar aggregate classification (germline): Uncertain significance. Review status: criteria provided, single submitter (1 of 4 stars). 2 submissions from 2 submitters: Uncertain significance (1). 1 of the submissions does not count toward it. Last evaluated 2025-05-22.

Conditions:
LRRK2-related disorder. Also called: LRRK2-related condition.
Autosomal dominant Parkinson disease 8. Also called: Parkinson disease 8, susceptibility to; LRRK2-Related Parkinson Disease; Parkinson disease 8. Identifiers: Orphanet 411602, MedGen C1846862, MONDO:0011764, OMIM 607060.

gnomAD v4.1: 63 of 1,549,678 alleles (0.0041%); highest among the groups gnomAD compares: Non-Finnish European, 0.0051%; no homozygotes.

Submissions (2):

Labcorp Genetics (formerly Invitae), Labcorp
Classification: Uncertain significance for Autosomal dominant Parkinson disease 8. Last evaluated: 2025-05-22. Review status: criteria provided, single submitter. Criteria: Invitae Variant Classification Sherloc (09022015). Collection method: clinical testing. Allele origin: germline.
Comment: This sequence change replaces aspartic acid, which is acidic and polar, with valine, which is neutral and non-polar, at codon 944 of the LRRK2 protein (p.Asp944Val). The frequency data for this variant in the population databases is considered unreliable, as metrics indicate poor data quality at this position in the gnomAD database. This missense change has been observed in individual(s) with Parkinson disease (PMID: 26213354). ClinVar contains an entry for this variant (Variation ID: 3352205). Invitae Evidence Modeling of protein sequence and biophysical properties (such as structural, functional, and spatial information, amino acid conservation, physicochemical variation, residue mobility, and thermodynamic stability) indicates that this missense variant is not expected to disrupt LRRK2 protein function with a negative predictive value of 80%. Experimental studies have shown that this missense change does not substantially affect LRRK2 function (PMID: 35950872). In summary, the available evidence is currently insufficient to determine the role of this variant in disease. Therefore, it has been classified as a Variant of Uncertain Significance.

PreventionGenetics, part of Exact Sciences
Classification: Uncertain significance for LRRK2-related condition. Last evaluated: 2024-03-28. Review status: no assertion criteria provided. Collection method: clinical testing. Allele origin: germline. Not counted in ClinVar's aggregate classification.
Comment: The LRRK2 c.2831A>T variant is predicted to result in the amino acid substitution p.Asp944Val. To our knowledge, this variant has not been reported in the literature. This variant is reported in 0.0062% of alleles in individuals of European (Non-Finnish) descent in gnomAD. At this time, the clinical significance of this variant is uncertain due to the absence of conclusive functional and genetic evidence.

Literature cited by the submitters: PubMed 26213354 (cited by Labcorp Genetics (formerly Invitae), Labcorp); PubMed 35950872 (cited by Labcorp Genetics (formerly Invitae), Labcorp).